The following is an entry in ClinVar:

ClinVar aggregate classification (germline): Uncertain significance. Review status: criteria provided, multiple submitters, no conflicts (2 of 4 stars). 3 submissions from 3 submitters: Uncertain significance (2). 1 of the submissions does not count toward it. Last evaluated 2025-08-25.

Conditions:
Inborn genetic diseases. Identifiers: MedGen C0950123, MeSH D030342.
EBV-positive nodal T- and NK-cell lymphoma.

Allele frequency attached by ClinVar (database versions not stated): ExAC 0.00001; gnomAD 0.00003.
gnomAD v4.1: 34 of 1,613,782 alleles (0.0021%); highest among the groups gnomAD compares: Non-Finnish European, 0.0025%; no homozygotes.

Submissions (3):

Ambry Genetics
Classification: Uncertain significance for Inborn genetic diseases. Last evaluated: 2025-08-25. Review status: criteria provided, single submitter. Criteria: Ambry Variant Classification Scheme 2023. Collection method: clinical testing. Allele origin: germline.

Labcorp Genetics (formerly Invitae), Labcorp
Classification: Uncertain significance. Last evaluated: 2022-07-03. Review status: criteria provided, single submitter. Criteria: Invitae Variant Classification Sherloc (09022015). Collection method: clinical testing. Allele origin: germline.
Comment: This sequence change replaces arginine, which is basic and polar, with histidine, which is basic and polar, at codon 917 of the C2CD3 protein (p.Arg917His). In summary, the available evidence is currently insufficient to determine the role of this variant in disease. Therefore, it has been classified as a Variant of Uncertain Significance. Algorithms developed to predict the effect of missense changes on protein structure and function output the following: SIFT: "Tolerated"; PolyPhen-2: "Benign"; Align-GVGD: "Class C0". The histidine amino acid residue is found in multiple mammalian species, which suggests that this missense change does not adversely affect protein function. This variant has not been reported in the literature in individuals affected with C2CD3-related conditions. This variant is present in population databases (rs765019392, gnomAD 0.005%).

Department of Clinical Pathology, School of Medicine, Fujita Health University
Classification: Likely benign for EBV-positive nodal T- and NK-cell lymphoma. Review status: no assertion criteria provided. Collection method: research. Allele origin: unknown. Affected: yes. Not counted in ClinVar's aggregate classification.

NM_001286577.2(C2CD3):c.2750G>A (p.Arg917His)

Gene: C2CD3 (C2 domain containing 3 centriole elongation regulator; minus strand). Cytogenetic location: 11q13.4.
Variant type: single nucleotide variant.
Coding change: c.2750G>A on transcript NM_001286577.2 (MANE Select); coding-DNA position 2750, G replaced by A.
Protein change: p.Arg917His; replaces arginine 917 with histidine.
Molecular consequence: missense variant.
Genome position (GRCh38, 1-based): chr11:74,098,238, C>T on the plus strand (G>A on the coding strand, the complement: C2CD3 is on the minus strand). VCF-style: chr11-74098238-C-T. GRCh37 (hg19) VCF-style: chr11-73809283-C-T.
Other names: c.2750G>A, p.Arg917His (NM_015531.6); c.2750G>A (NM_015531.4); short protein forms R917H.
Identifiers: ClinVar variation 1932018 (VCV001932018.6), dbSNP rs765019392, ClinGen allele CA6182555.